The following is an entry in ClinVar:

NM_012120.3(CD2AP):c.1633-8G>A

Gene: CD2AP (CD2 associated protein; plus strand). Cytogenetic location: 6p12.3.
Variant type: single nucleotide variant.
Coding change: c.1633-8G>A on transcript NM_012120.3 (MANE Select); 8 bases into the intron before coding-DNA position 1633, G replaced by A.
Molecular consequence: intron variant.
Genome position (GRCh38, 1-based): chr6:47,609,115, G>A. VCF-style: chr6-47609115-G-A. GRCh37 (hg19) VCF-style: chr6-47576851-G-A.
Other names: c.1633-8G>A (NM_012120.2).
Identifiers: ClinVar variation 1539439 (VCV001539439.12), dbSNP rs371517849, ClinGen allele CA3844421.
Genomic context (GRCh38, chr6:47,609,115, plus strand): 5'-CTGTTAAAATCTTTCGAACGTAAATATAATATTAAATAAAATCAGAAATTTTTTTTTTAC[G>A]TTTTCAGCCATCTGTGTACCTTTCAACACCTTCCAGTGCTTCTAAAGCAAATACAACTGC-3'

ClinVar aggregate classification (germline): Likely benign. Review status: criteria provided, multiple submitters, no conflicts (2 of 4 stars). 4 submissions from 4 submitters: Likely benign (3). 1 of the submissions does not count toward it. Last evaluated 2025-07-15.

Conditions:
CD2AP-related disorder. Also called: CD2AP-related condition.
Focal segmental glomerulosclerosis 3, susceptibility to (FSGS3). Identifiers: Orphanet 656, MedGen C1842982, MONDO:0011917, OMIM 607832.

Allele frequency attached by ClinVar (database versions not stated): TOPMed 0.00008; gnomAD 0.00009 and 0.00006; gnomAD exomes 0.00013; ESP Exome Variant Server 0.00015; 1000 Genomes Project 30x 0.00016; 1000 Genomes Project 0.00020.
gnomAD v4.1: 185 of 1,577,976 alleles (0.012%); highest among the groups gnomAD compares: Middle Eastern, 0.2%; no homozygotes.

Submissions (4):

Labcorp Genetics (formerly Invitae), Labcorp
Classification: Likely benign. Last evaluated: 2025-07-15. Review status: criteria provided, single submitter. Criteria: Invitae Variant Classification Sherloc (09022015). Collection method: clinical testing. Allele origin: germline.

Fulgent Genetics
Classification: Likely benign for Focal segmental glomerulosclerosis 3, susceptibility to. Last evaluated: 2021-08-13. Review status: criteria provided, single submitter. Criteria: ACMG Guidelines, 2015. Collection method: clinical testing. Allele origin: unknown.

Breakthrough Genomics
Classification: Likely benign. Review status: criteria provided, single submitter. Criteria: ACMG Guidelines, 2015. Collection method: not provided. Allele origin: germline. Inheritance: Unknown mechanism. Affected: yes.

PreventionGenetics, part of Exact Sciences
Classification: Likely benign for CD2AP-related condition. Last evaluated: 2019-04-05. Review status: no assertion criteria provided. Collection method: clinical testing. Allele origin: germline. Not counted in ClinVar's aggregate classification.
Comment: This variant is classified as likely benign based on ACMG/AMP sequence variant interpretation guidelines (Richards et al. 2015 PMID: 25741868, with internal and published modifications).